The following is an entry in ClinVar:

NM_001008537.3(NEXMIF):c.2625del (p.His876fs)

Gene: NEXMIF (neurite extension and migration factor; minus strand). Cytogenetic location: Xq13.3.
Variant type: Deletion.
Coding change: c.2625del on transcript NM_001008537.3 (MANE Select); coding-DNA position 2625, one base deleted (T; older notation c.2625delT).
Protein change: p.His876fs; shifts the reading frame from histidine 876.
Molecular consequence: frameshift variant.
Genome position (GRCh38, 1-based): chrX:74,741,932, A deleted on the plus strand (T on the coding strand, the reverse complement: NEXMIF is on the minus strand). VCF-style (leftmost placement, unchanged base first): chrX-74741931-GA-G. GRCh37 (hg19) VCF-style: chrX-73961766-GA-G.
Other names: short protein forms H876fs.
Identifiers: ClinVar variation 1367507 (VCV001367507.6), dbSNP rs2147440078, ClinGen allele CA2573159510.
Genomic context (GRCh38, chrX:74,741,931, plus strand): 5'-CAGAAGTAGCCTTGTTGGGCCACACATTTCTATAGTTGCTTGATTCCATTTTGAAGTTAT[GA>G]GATGACTGCTGCAGCTCAGAGTCAGAGGATGAGGTGAGCACACAGTCCTGGGTAGGCTGG-3'

ClinVar aggregate classification (germline): Pathogenic (1 of 4 stars; one submission).

Submission:

Labcorp Genetics (formerly Invitae), Labcorp
Classification: Pathogenic. Last evaluated: 2022-07-11. Review status: criteria provided, single submitter. Criteria: Invitae Variant Classification Sherloc (09022015). Collection method: clinical testing. Allele origin: germline.
Comment: This variant has not been reported in the literature in individuals affected with NEXMIF-related conditions. ClinVar contains an entry for this variant (Variation ID: 1367507). For these reasons, this variant has been classified as Pathogenic. This sequence change creates a premature translational stop signal (p.His876Ilefs*33) in the NEXMIF gene. It is expected to result in an absent or disrupted protein product. Loss-of-function variants in NEXMIF are known to be pathogenic (PMID: 23615299). This variant is not present in population databases (gnomAD no frequency).

Literature cited by the submitters: PubMed 23615299.